The following is an entry in ClinVar:

ClinVar aggregate classification (germline): Uncertain significance (1 of 4 stars; one submission).

Conditions:
Hereditary cancer-predisposing syndrome. Also called: Neoplastic Syndromes, Hereditary; Tumor predisposition; Hereditary neoplastic syndrome; Hereditary Cancer Syndrome. Identifiers: Orphanet 140162, MedGen C0027672, MeSH D009386, MONDO:0015356.

Submission:

Ambry Genetics
Classification: Uncertain significance for Hereditary cancer-predisposing syndrome. Last evaluated: 2023-01-29. Review status: criteria provided, single submitter. Criteria: Ambry Variant Classification Scheme 2023. Collection method: clinical testing. Allele origin: germline.
Comment: The p.I624N variant (also known as c.1871T>A), located in coding exon 9 of the BARD1 gene, results from a T to A substitution at nucleotide position 1871. The isoleucine at codon 624 is replaced by asparagine, an amino acid with dissimilar properties. This amino acid position is conserved. In addition, the in silico prediction for this alteration is inconclusive. Since supporting evidence is limited at this time, the clinical significance of this alteration remains unclear.

NM_000465.4(BARD1):c.1871T>A (p.Ile624Asn)

Gene: BARD1 (BRCA1 associated RING domain 1; minus strand). Cytogenetic location: 2q35.
Variant type: single nucleotide variant.
Coding change: c.1871T>A on transcript NM_000465.4 (MANE Select); coding-DNA position 1871, T replaced by A.
Protein change: p.Ile624Asn; replaces isoleucine 624 with asparagine.
Molecular consequence: missense variant. On other transcripts: non-coding transcript variant (3), intron variant (1).
Genome position (GRCh38, 1-based): chr2:214,745,099, A>T on the plus strand (T>A on the coding strand, the complement: BARD1 is on the minus strand). VCF-style: chr2-214745099-A-T. GRCh37 (hg19) VCF-style: chr2-215609823-A-T.
Other names: c.1814T>A, p.Ile605Asn (NM_001282543.2); c.518T>A, p.Ile173Asn (NM_001282545.2); c.461T>A, p.Ile154Asn (NM_001282548.2); c.365-14591T>A (NM_001282549.2); short protein forms I154N, I173N, I624N, I605N.
Identifiers: ClinVar variation 2450479 (VCV002450479.2), dbSNP rs2469337849, ClinGen allele CA350452127.